The following is an entry in ClinVar:

ClinVar aggregate classification (germline): Conflicting classifications of pathogenicity. Review status: criteria provided, conflicting classifications (1 of 4 stars). 2 submissions from 2 submitters: Uncertain significance (1); Likely benign (1). Last evaluated 2025-04-08.

Allele frequency attached by ClinVar (database versions not stated): gnomAD 0.00001; TOPMed 0.00001.
gnomAD v4.1: 14 of 1,611,608 alleles (0.00087%); highest among the groups gnomAD compares: Non-Finnish European, 0.0012%; no homozygotes.

Submissions (2):

Women's Health and Genetics/Laboratory Corporation of America, LabCorp
Classification: Uncertain significance. Last evaluated: 2025-04-08. Review status: criteria provided, single submitter. Criteria: LabCorp Variant Classification Summary - May 2015. Collection method: clinical testing. Allele origin: germline.
Comment: Variant summary: ACAN c.7447+7T>C alters a nucleotide located close to a canonical splice site and therefore could affect mRNA splicing, leading to a significantly altered protein sequence. Consensus agreement among computation tools predict no significant impact on normal splicing. However, these predictions have yet to be confirmed by functional studies. The variant allele was found at a frequency of 4.1e-06 in 244000 control chromosomes. The available data on variant occurrences in the general population are insufficient to allow any conclusion about variant significance. To our knowledge, no occurrence of c.7447+7T>C in individuals affected with ACAN-Related Disorders and no experimental evidence demonstrating its impact on protein function have been reported. ClinVar contains an entry for this variant (Variation ID: 2779440). Based on the evidence outlined above, the variant was classified as uncertain significance.

Labcorp Genetics (formerly Invitae), Labcorp
Classification: Likely benign. Last evaluated: 2023-10-16. Review status: criteria provided, single submitter. Criteria: Invitae Variant Classification Sherloc (09022015). Collection method: clinical testing. Allele origin: germline.

NM_001369268.1(ACAN):c.7447+7T>C

Gene: ACAN (aggrecan; plus strand). Cytogenetic location: 15q26.1.
Variant type: single nucleotide variant.
Coding change: c.7447+7T>C on transcript NM_001369268.1 (MANE Select); 7 bases into the intron after coding-DNA position 7447, T replaced by C.
Molecular consequence: intron variant.
Genome position (GRCh38, 1-based): chr15:88,873,032, T>C. VCF-style: chr15-88873032-T-C. GRCh37 (hg19) VCF-style: chr15-89416263-T-C.
Other names: c.7333+7T>C (NM_013227.4, NM_001411097.1); c.7219+7T>C (NM_001411096.1, NM_001135.4).
Identifiers: ClinVar variation 2779440 (VCV002779440.5), dbSNP rs1164744935, ClinGen allele CA619498417.